The following is an entry in ClinVar:

ClinVar aggregate classification (germline): Pathogenic (1 of 4 stars; one submission).

Submission:

Labcorp Genetics (formerly Invitae), Labcorp
Classification: Pathogenic. Last evaluated: 2022-10-10. Review status: criteria provided, single submitter. Criteria: Invitae Variant Classification Sherloc (09022015). Collection method: clinical testing. Allele origin: germline.
Comment: For these reasons, this variant has been classified as Pathogenic. This variant has not been reported in the literature in individuals affected with COL27A1-related conditions. This variant is not present in population databases (gnomAD no frequency). This sequence change creates a premature translational stop signal (p.Leu622Argfs*2) in the COL27A1 gene. It is expected to result in an absent or disrupted protein product. Loss-of-function variants in COL27A1 are known to be pathogenic (PMID: 24986830, 28276056).

Literature cited by the submitters: PubMed 24986830; PubMed 28276056.

NM_032888.4(COL27A1):c.1865del (p.Leu622fs)

Gene: COL27A1 (collagen type XXVII alpha 1 chain; plus strand). Cytogenetic location: 9q32.
Variant type: Deletion.
Coding change: c.1865del on transcript NM_032888.4 (MANE Select); coding-DNA position 1865, one base deleted (T; older notation c.1865delT).
Protein change: p.Leu622fs; shifts the reading frame from leucine 622.
Molecular consequence: frameshift variant.
Genome position (GRCh38, 1-based): chr9:114,169,420, T deleted. VCF-style (leftmost placement, unchanged base first): chr9-114169419-CT-C. GRCh37 (hg19) VCF-style: chr9-116931699-CT-C.
Other names: short protein forms L622fs.
Identifiers: ClinVar variation 2034992 (VCV002034992.4), dbSNP rs2490582353, ClinGen allele CA2580079458.